The following is an entry in ClinVar:

ClinVar aggregate classification (germline): Likely pathogenic (1 of 4 stars; one submission).

Conditions:
Congenital lactic acidosis, Saguenay-Lac-Saint-Jean type (MC4DN5). Also called: CYTOCHROME c OXIDASE DEFICIENCY, FRENCH CANADIAN TYPE; COX DEFICIENCY, FRENCH CANADIAN TYPE; MITOCHONDRIAL COMPLEX IV DEFICIENCY, NUCLEAR TYPE 5. Identifiers: Orphanet 70472, MedGen C1857355, MONDO:0009069, OMIM 220111.

Submission:

Myriad Genetics, Inc.
Classification: Likely pathogenic for Congenital lactic acidosis, Saguenay-Lac-Saint-Jean type. Last evaluated: 2021-12-30. Review status: criteria provided, single submitter. Criteria: Myriad Women's Health Autosomal Recessive and X-Linked Classification Criteria (2021). Collection method: clinical testing. Allele origin: unknown.
Comment: NM_133259.3(LRPPRC):c.509_510ins16(V171Mfs*11) is expected to be pathogenic in the context of Leigh syndrome, French-Canadian type. This variant is predicted to lead to an abnormal or absent protein product due to the creation of a premature termination codon in LRPPRC, a gene where loss-of-function variants are known to be pathogenic. Please note: this variant was assessed in the context of healthy population screening.

NM_133259.4(LRPPRC):c.509_510insGATGTGTATAAGAGAC (p.Val171fs)

Gene: LRPPRC (leucine rich pentatricopeptide repeat containing; minus strand). Cytogenetic location: 2p21.
Variant type: Insertion.
Coding change: c.509_510insGATGTGTATAAGAGAC on transcript NM_133259.4 (MANE Select); coding-DNA positions 509 to 510, GATGTGTATAAGAGAC inserted.
Protein change: p.Val171fs; shifts the reading frame from valine 171.
Molecular consequence: frameshift variant.
Genome position: GRCh38 VCF-style: chr2-43977236-T-TGTCTCTTATACACATC. GRCh37 (hg19) VCF-style: chr2-44204375-T-TGTCTCTTATACACATC.
Other names: short protein forms V171fs.
Identifiers: ClinVar variation 1726701 (VCV001726701.2), dbSNP rs2466676948, ClinGen allele CA2580067014.